The following is an entry in ClinVar:

ClinVar aggregate classification (germline): Likely pathogenic (1 of 4 stars; one submission).

Conditions:
Laryngo-onycho-cutaneous syndrome (JEB2C). Also called: EPIDERMOLYSIS BULLOSA, JUNCTIONAL 2C, LARYNGOONYCHOCUTANEOUS; LOGIC SYNDROME; SHABBIR SYNDROME. Identifiers: Orphanet 2407, MedGen C1328355, MONDO:0009513, OMIM 245660.

Submission:

3billion
Classification: Likely pathogenic for Laryngo-onycho-cutaneous syndrome. Last evaluated: 2024-06-14. Review status: criteria provided, single submitter. Criteria: ACMG Guidelines, 2015. Collection method: clinical testing. Allele origin: germline. Affected: yes.
Comment: The variant is not observed in the gnomAD v4.0.0 dataset. Predicted Consequence/Location: Frameshift: predicted to result in a loss or disruption of normal protein function through nonsense-mediated decay (NMD) or protein truncation. Multiple pathogenic variants are reported downstream of the variant. Therefore, this variant is classified as Likely pathogenic according to the recommendation of ACMG/AMP guideline.

NM_198129.4(LAMA3):c.7738dup (p.Thr2580fs)

Gene: LAMA3 (laminin subunit alpha 3; plus strand). Cytogenetic location: 18q11.2.
Variant type: Duplication.
Coding change: c.7738dup on transcript NM_198129.4 (MANE Select); coding-DNA position 7738, one base duplicated (A; older notation c.7738dupA).
Protein change: p.Thr2580fs; shifts the reading frame from threonine 2580.
Molecular consequence: frameshift variant.
Genome position (GRCh38, 1-based): chr18:23,915,382, A duplicated; the last of 7 consecutive A bases (chr18:23,915,376-23,915,382); duplicating any one gives the same sequence. VCF-style (leftmost placement, unchanged base first): chr18-23915375-C-CA. GRCh37 (hg19) VCF-style: chr18-21495339-C-CA.
Other names: c.2911dup, p.Thr971fs (NM_000227.6); c.7570dup, p.Thr2524fs (NM_001127717.4); c.2743dup, p.Thr915fs (NM_001127718.4); short protein forms T2524fs, T2580fs, T915fs, T971fs.
Identifiers: ClinVar variation 4293290 (VCV004293290.1).